The following is an entry in ClinVar:

ClinVar aggregate classification (germline): Uncertain significance (1 of 4 stars; one submission).

Submission:

Dasa
Classification: Uncertain significance. Last evaluated: 2025-10-16. Review status: criteria provided, single submitter. Criteria: DASA Assertion Criteria. Collection method: clinical testing. Allele origin: germline.
Comment: NM_005045.4(RELN):c.5618C>A (p.Thr1873Asn) is a missense variant that results in the substitution of threonine with asparagine. This variant is rare in population databases. Computational prediction algorithms are consistent with a benign effect. The currently available literature and clinical evidence are not sufficient to establish a definitive association between this variant and the reported condition. Therefore, this variant is classified as a variant of uncertain significance.

NM_005045.4(RELN):c.5618C>A (p.Thr1873Asn)

Gene: RELN (reelin; minus strand). Cytogenetic location: 7q22.1.
Variant type: single nucleotide variant.
Coding change: c.5618C>A on transcript NM_005045.4 (MANE Select); coding-DNA position 5618, C replaced by A.
Protein change: p.Thr1873Asn; replaces threonine 1873 with asparagine.
Molecular consequence: missense variant.
Genome position (GRCh38, 1-based): chr7:103,557,156, G>T on the plus strand (C>A on the coding strand, the complement: RELN is on the minus strand). VCF-style: chr7-103557156-G-T. GRCh37 (hg19) VCF-style: chr7-103197603-G-T.
Other names: c.5618C>A, p.Thr1873Asn (NM_173054.3); short protein forms T1873N.
Identifiers: ClinVar variation 4881291 (VCV004881291.2).